The following is an entry in ClinVar:

NM_001244008.2(KIF1A):c.4595C>A (p.Pro1532Gln)

Gene: KIF1A (kinesin family member 1A; minus strand). Cytogenetic location: 2q37.3.
Variant type: single nucleotide variant.
Coding change: c.4595C>A on transcript NM_001244008.2 (MANE Select); coding-DNA position 4595, C replaced by A.
Protein change: p.Pro1532Gln; replaces proline 1532 with glutamine.
Molecular consequence: missense variant.
Genome position (GRCh38, 1-based): chr2:240,722,526, G>T on the plus strand (C>A on the coding strand, the complement: KIF1A is on the minus strand). VCF-style: chr2-240722526-G-T. GRCh37 (hg19) VCF-style: chr2-241661943-G-T.
Other names: c.4319C>A, p.Pro1440Gln (NM_001320705.2, NM_001379649.1); c.4346C>A, p.Pro1449Gln (NM_001330289.2); c.4394C>A, p.Pro1465Gln (NM_001330290.2, NM_001379648.1); c.4670C>A, p.Pro1557Gln (NM_001379631.1); c.4571C>A, p.Pro1524Gln (NM_001379632.1); c.4568C>A, p.Pro1523Gln (NM_001379633.1, NM_001379645.1); c.4421C>A, p.Pro1474Gln (NM_001379634.1); c.4418C>A, p.Pro1473Gln (NM_001379635.1, NM_001379646.1); and 7 more; short protein forms P1431Q, P1440Q, P1448Q, P1456Q, P1474Q, P1524Q, P1557Q, P1430Q.
Identifiers: ClinVar variation 1937922 (VCV001937922.5), dbSNP rs779578515, ClinGen allele CA68137604.
Genomic context (GRCh38, chr2:240,722,526, plus strand): 5'-AGCTCCCGCTGCCTCTCGTTGGGAGCCTCCAGGGGTGATGGGCGGCCCTCAGCCGAGAGC[G>T]GGGAGGAGGCGCTGGAGGAGCCATGGGACTCAGAGTCCTCGCTGAAGGCCGGGGACAGTG-3'
Protein context (NP_001230937.1, residues 1522-1542): ESHGSSSASS[Pro1532Gln]LSAEGRPSPL

ClinVar aggregate classification (germline): Uncertain significance (1 of 4 stars; one submission).

Conditions:
Hereditary spastic paraplegia 30. Identifiers: Orphanet 101010, MedGen C5235139, MONDO:0012476.
Neuropathy, hereditary sensory, type 2C. Also called: Hereditary sensory and autonomic neuropathy type IIC; KIF1A-Related HSAN2 (HSAN2C). Identifiers: Orphanet 970, MedGen C3280168, MONDO:0013634, OMIM 614213.
Intellectual disability, autosomal dominant 9 (NESCAVS). Also called: NESCAV SYNDROME; KIF1A-Related Neurodevelopmental Disorder. Identifiers: Orphanet 662367, MedGen C5393830, MONDO:0013656, OMIM 614255.

gnomAD v4.1: 40 of 1,548,562 alleles (0.0026%); highest among the groups gnomAD compares: Non-Finnish European, 0.0034%; no homozygotes.

Submission:

Labcorp Genetics (formerly Invitae), Labcorp
Classification: Uncertain significance for Hereditary spastic paraplegia 30; Neuropathy, hereditary sensory, type 2C; Intellectual disability, autosomal dominant 9. Last evaluated: 2022-07-11. Review status: criteria provided, single submitter. Criteria: Invitae Variant Classification Sherloc (09022015). Collection method: clinical testing. Allele origin: germline.
Comment: This variant is not present in population databases (gnomAD no frequency). In summary, the available evidence is currently insufficient to determine the role of this variant in disease. Therefore, it has been classified as a Variant of Uncertain Significance. Algorithms developed to predict the effect of sequence changes on RNA splicing suggest that this variant may create or strengthen a splice site. Advanced modeling of protein sequence and biophysical properties (such as structural, functional, and spatial information, amino acid conservation, physicochemical variation, residue mobility, and thermodynamic stability) performed at Invitae indicates that this missense variant is not expected to disrupt KIF1A protein function. This variant has not been reported in the literature in individuals affected with KIF1A-related conditions. This sequence change replaces proline, which is neutral and non-polar, with glutamine, which is neutral and polar, at codon 1431 of the KIF1A protein (p.Pro1431Gln).